The following is an entry in ClinVar:

NM_002439.5(MSH3):c.754T>A (p.Cys252Ser)

Gene: MSH3 (mutS homolog 3; plus strand). Cytogenetic location: 5q14.1.
Variant type: single nucleotide variant.
Coding change: c.754T>A on transcript NM_002439.5 (MANE Select); coding-DNA position 754, T replaced by A.
Protein change: p.Cys252Ser; replaces cysteine 252 with serine.
Molecular consequence: missense variant.
Genome position (GRCh38, 1-based): chr5:80,670,271, T>A. VCF-style: chr5-80670271-T-A. GRCh37 (hg19) VCF-style: chr5-79966090-T-A.
Other names: short protein forms C252S.
Identifiers: ClinVar variation 2845338 (VCV002845338.3), dbSNP rs2546721213, ClinGen allele CA360266945.

ClinVar aggregate classification (germline): Uncertain significance (1 of 4 stars; one submission).

Submission:

Labcorp Genetics (formerly Invitae), Labcorp
Classification: Uncertain significance. Last evaluated: 2023-03-13. Review status: criteria provided, single submitter. Criteria: Invitae Variant Classification Sherloc (09022015). Collection method: clinical testing. Allele origin: germline.
Comment: This sequence change replaces cysteine, which is neutral and slightly polar, with serine, which is neutral and polar, at codon 252 of the MSH3 protein (p.Cys252Ser). In summary, the available evidence is currently insufficient to determine the role of this variant in disease. Therefore, it has been classified as a Variant of Uncertain Significance. An algorithm developed to predict the effect of missense changes on protein structure and function (PolyPhen-2) suggests that this variant is likely to be disruptive. This variant has not been reported in the literature in individuals affected with MSH3-related conditions. This variant is not present in population databases (gnomAD no frequency).